The following is an entry in ClinVar:

NM_001077653.2(TBX20):c.714C>A (p.Asp238Glu)

Gene: TBX20 (T-box transcription factor 20; minus strand). Cytogenetic location: 7p14.2.
Variant type: single nucleotide variant.
Coding change: c.714C>A on transcript NM_001077653.2 (MANE Select); coding-DNA position 714, C replaced by A.
Protein change: p.Asp238Glu; replaces aspartic acid 238 with glutamic acid.
Molecular consequence: missense variant.
Genome position (GRCh38, 1-based): chr7:35,240,978, G>T on the plus strand (C>A on the coding strand, the complement: TBX20 is on the minus strand). VCF-style: chr7-35240978-G-T. GRCh37 (hg19) VCF-style: chr7-35280590-G-T.
Other names: c.714C>A, p.Asp238Glu (NM_001166220.1); short protein forms D238E.
Identifiers: ClinVar variation 1757375 (VCV001757375.3), dbSNP rs373659140, ClinGen allele CA4217442.

ClinVar aggregate classification (germline): Uncertain significance. Review status: criteria provided, multiple submitters, no conflicts (2 of 4 stars). 2 submissions from 2 submitters: Uncertain significance (2). Last evaluated 2023-11-09.

Conditions:
Cardiovascular phenotype. Identifiers: MedGen CN230736.

Allele frequency attached by ClinVar (database versions not stated): gnomAD exomes below 0.00001; TOPMed below 0.00001; ExAC 0.00001; gnomAD 0.00001; ESP Exome Variant Server 0.00008.
gnomAD v4.1: 3 of 1,613,584 alleles (0.00019%); highest among the groups gnomAD compares: African/African-American, 0.0027%; no homozygotes.

Submissions (2):

GeneDx
Classification: Uncertain significance. Last evaluated: 2023-11-09. Review status: criteria provided, single submitter. Criteria: GeneDx Variant Classification Process June 2021. Collection method: clinical testing. Allele origin: germline. Affected: yes.
Comment: Not observed at significant frequency in large population cohorts (gnomAD); In silico analysis supports that this missense variant does not alter protein structure/function; Has not been previously published as pathogenic or benign to our knowledge

Ambry Genetics
Classification: Uncertain significance for Cardiovascular phenotype. Last evaluated: 2020-02-26. Review status: criteria provided, single submitter. Criteria: Ambry Variant Classification Scheme 2023. Collection method: clinical testing. Allele origin: germline.
Comment: The p.D238E variant (also known as c.714C>A), located in coding exon 5 of the TBX20 gene, results from a C to A substitution at nucleotide position 714. The aspartic acid at codon 238 is replaced by glutamic acid, an amino acid with highly similar properties. This amino acid position is well conserved in available vertebrate species; however, glutamic acid is the reference amino acid in other vertebrate species. In addition, this alteration is predicted to be tolerated by in silico analysis. Since supporting evidence is limited at this time, the clinical significance of this alteration remains unclear.